The following is an entry in ClinVar:

NM_019066.5(MAGEL2):c.533C>T (p.Pro178Leu)

Gene: MAGEL2 (MAGE family member L2; minus strand). Cytogenetic location: 15q11.2.
Variant type: single nucleotide variant.
Coding change: c.533C>T on transcript NM_019066.5 (MANE Select); coding-DNA position 533, C replaced by T.
Protein change: p.Pro178Leu; replaces proline 178 with leucine.
Molecular consequence: missense variant.
Genome position (GRCh38, 1-based): chr15:23,647,210, G>A on the plus strand (C>T on the coding strand, the complement: MAGEL2 is on the minus strand). VCF-style: chr15-23647210-G-A. GRCh37 (hg19) VCF-style: chr15-23892357-G-A.
Other names: c.533C>T (NM_019066.4); short protein forms P178L.
Identifiers: ClinVar variation 3665266 (VCV003665266.3).

ClinVar aggregate classification (germline): Uncertain significance. Review status: criteria provided, multiple submitters, no conflicts (2 of 4 stars). 2 submissions from 2 submitters: Uncertain significance (2). Last evaluated 2025-09-11.

Conditions:
Inborn genetic diseases. Identifiers: MedGen C0950123, MeSH D030342.

Submissions (2):

Ambry Genetics
Classification: Uncertain significance for Inborn genetic diseases. Last evaluated: 2025-09-11. Review status: criteria provided, single submitter. Criteria: Ambry Variant Classification Scheme 2023. Collection method: clinical testing. Allele origin: germline.

Labcorp Genetics (formerly Invitae), Labcorp
Classification: Uncertain significance. Last evaluated: 2024-05-27. Review status: criteria provided, single submitter. Criteria: Invitae Variant Classification Sherloc (09022015). Collection method: clinical testing. Allele origin: germline.
Comment: This sequence change replaces proline, which is neutral and non-polar, with leucine, which is neutral and non-polar, at codon 178 of the MAGEL2 protein (p.Pro178Leu). This variant is not present in population databases (gnomAD no frequency). This variant has not been reported in the literature in individuals affected with MAGEL2-related conditions. Experimental studies and prediction algorithms are not available or were not evaluated, and the functional significance of this variant is currently unknown. In summary, the available evidence is currently insufficient to determine the role of this variant in disease. Therefore, it has been classified as a Variant of Uncertain Significance.